The following is an entry in ClinVar:

NM_000875.5(IGF1R):c.29C>G (p.Pro10Arg)

Genes: IGF1R (insulin like growth factor 1 receptor; plus strand), IRAIN (IGF1R antisense imprinted non-protein coding RNA; minus strand). Cytogenetic location: 15q26.3.
Variant type: single nucleotide variant.
Coding change: c.29C>G on transcript NM_000875.5 (MANE Select); coding-DNA position 29, C replaced by G.
Protein change: p.Pro10Arg; replaces proline 10 with arginine.
Molecular consequence: missense variant. On other transcripts: non-coding transcript variant (1).
Genome position (GRCh38, 1-based): chr15:98,649,610, C>G. VCF-style: chr15-98649610-C-G. GRCh37 (hg19) VCF-style: chr15-99192839-C-G.
Other names: c.29C>G, p.Pro10Arg (NM_001291858.2); short protein forms P10R.
Identifiers: ClinVar variation 3610275 (VCV003610275.2).

ClinVar aggregate classification (germline): Uncertain significance (1 of 4 stars; one submission).

gnomAD v4.1: 7 of 1,609,296 alleles (0.00043%); highest among the groups gnomAD compares: Middle Eastern, 0.017%; no homozygotes.

Submission:

Labcorp Genetics (formerly Invitae), Labcorp
Classification: Uncertain significance. Last evaluated: 2024-08-31. Review status: criteria provided, single submitter. Criteria: Invitae Variant Classification Sherloc (09022015). Collection method: clinical testing. Allele origin: germline.
Comment: This sequence change replaces proline, which is neutral and non-polar, with arginine, which is basic and polar, at codon 10 of the IGF1R protein (p.Pro10Arg). This variant is present in population databases (rs749124908, gnomAD 0.003%). This variant has not been reported in the literature in individuals affected with IGF1R-related conditions. An algorithm developed to predict the effect of missense changes on protein structure and function outputs the following: PolyPhen-2: "Benign". The arginine amino acid residue is found in multiple mammalian species, which suggests that this missense change does not adversely affect protein function. In summary, the available evidence is currently insufficient to determine the role of this variant in disease. Therefore, it has been classified as a Variant of Uncertain Significance.